The following is an entry in ClinVar:

ClinVar aggregate classification (germline): Uncertain significance (1 of 4 stars; one submission).

Submission:

GeneDx
Classification: Uncertain significance. Last evaluated: 2024-10-06. Review status: criteria provided, single submitter. Criteria: GeneDx Variant Classification Process June 2021. Collection method: clinical testing. Allele origin: germline. Affected: yes.
Comment: Not observed at significant frequency in large population cohorts (gnomAD); In silico analysis indicates that this missense variant does not alter protein structure/function; Has not been previously published as pathogenic or benign to our knowledge

NM_001372044.2(SHANK3):c.3013C>T (p.Pro1005Ser)

Gene: SHANK3 (SH3 and multiple ankyrin repeat domains 3; plus strand). Cytogenetic location: 22q13.33.
Variant type: single nucleotide variant.
Coding change: c.3013C>T on transcript NM_001372044.2 (MANE Select); coding-DNA position 3013, C replaced by T.
Protein change: p.Pro1005Ser; replaces proline 1005 with serine.
Molecular consequence: missense variant.
Genome position (GRCh38, 1-based): chr22:50,720,621, C>T. VCF-style: chr22-50720621-C-T. GRCh37 (hg19) VCF-style: chr22-51159049-C-T.
Other names: c.2788C>T (NM_033517.1); short protein forms P1005S.
Identifiers: ClinVar variation 3781060 (VCV003781060.1).